The following is an entry in ClinVar:

NM_173477.5(USH1G):c.94G>A (p.Gly32Ser)

Gene: USH1G (USH1 protein network component sans; minus strand). Cytogenetic location: 17q25.1.
Variant type: single nucleotide variant.
Coding change: c.94G>A on transcript NM_173477.5 (MANE Select); coding-DNA position 94, G replaced by A.
Protein change: p.Gly32Ser; replaces glycine 32 with serine.
Molecular consequence: missense variant. On other transcripts: 5 prime UTR variant (1).
Genome position (GRCh38, 1-based): chr17:74,922,980, C>T on the plus strand (G>A on the coding strand, the complement: USH1G is on the minus strand). VCF-style: chr17-74922980-C-T. GRCh37 (hg19) VCF-style: chr17-72919075-C-T.
Other names: c.-163G>A (NM_001282489.3); c.94G>A (NM_173477.2); short protein forms G32S.
Identifiers: ClinVar variation 1488686 (VCV001488686.5), dbSNP rs752872097, ClinGen allele CA8754134.

ClinVar aggregate classification (germline): Uncertain significance. Review status: criteria provided, multiple submitters, no conflicts (2 of 4 stars). 2 submissions from 2 submitters: Uncertain significance (2). Last evaluated 2024-04-20.

Conditions:
Inborn genetic diseases. Identifiers: MedGen C0950123, MeSH D030342.

Allele frequency attached by ClinVar (database versions not stated): gnomAD 0.00001; gnomAD exomes 0.00006 and 0.00013; ExAC 0.00057.

Submissions (2):

Ambry Genetics
Classification: Uncertain significance for Inborn genetic diseases. Last evaluated: 2024-04-20. Review status: criteria provided, single submitter. Criteria: Ambry Variant Classification Scheme 2023. Collection method: clinical testing. Allele origin: germline.

Labcorp Genetics (formerly Invitae), Labcorp
Classification: Uncertain significance. Last evaluated: 2023-10-03. Review status: criteria provided, single submitter. Criteria: Invitae Variant Classification Sherloc (09022015). Collection method: clinical testing. Allele origin: germline.
Comment: This sequence change replaces glycine with serine at codon 32 of the USH1G protein (p.Gly32Ser). The glycine residue is highly conserved and there is a small physicochemical difference between glycine and serine. This variant is present in population databases (rs752872097, gnomAD 0.1%). This variant has not been reported in the literature in individuals affected with USH1G-related conditions. ClinVar contains an entry for this variant (Variation ID: 1488686). Advanced modeling of protein sequence and biophysical properties (such as structural, functional, and spatial information, amino acid conservation, physicochemical variation, residue mobility, and thermodynamic stability) performed at Invitae indicates that this missense variant is expected to disrupt USH1G protein function. In summary, the available evidence is currently insufficient to determine the role of this variant in disease. Therefore, it has been classified as a Variant of Uncertain Significance.